The following is an entry in ClinVar:

ClinVar aggregate classification (germline): Likely pathogenic. Review status: criteria provided, single submitter (1 of 4 stars). 2 submissions from 2 submitters: Likely pathogenic (1). 1 of the submissions does not count toward it. Last evaluated 2024-12-20.

Conditions:
Pulmonary fibrosis and/or bone marrow failure, Telomere-related, 2. Also called: PULMONARY FIBROSIS AND/OR BONE MARROW FAILURE SYNDROME, TELOMERE-RELATED, 2. Identifiers: Orphanet 88, MedGen C3553622, MONDO:0013879, OMIM 614743.
Dyskeratosis congenita, autosomal dominant 1 (DKCA1). Also called: Dyskeratosis congenita Scoggins type. Identifiers: Orphanet 1775, MedGen C4551974, MONDO:0007485, OMIM 127550. Inheritance: Variable.

Submissions (2):

Institute of Human Genetics, Heidelberg University
Classification: Likely pathogenic for Pulmonary fibrosis and/or bone marrow failure, Telomere-related, 2; Dyskeratosis congenita, autosomal dominant 1. Last evaluated: 2024-12-20. Review status: criteria provided, single submitter. Criteria: ACMG Guidelines, 2015. Collection method: clinical testing. Allele origin: unknown. Affected: yes.
Comment: PM1, PM2_supp, PP1_s

Epi-/Genome lab, Department of Hematology, Rigshospitalet
Classification: Likely pathogenic for Pulmonary fibrosis and/or bone marrow failure, Telomere-related, 2. Last evaluated: 2024-02-20. Review status: no assertion criteria provided. Collection method: clinical testing. Allele origin: germline. Inheritance: Autosomal dominant inheritance. Affected: yes. Observed: 4 variant alleles, 4 heterozygotes. Clinical features observed: Acute myeloid leukemia (HP:0004808), Pulmonary fibrosis (HP:0002206), Thrombocytopenia (HP:0001873). Not counted in ClinVar's aggregate classification.
Comment: The NR_001566.1:n.301A>T has been reported in a family with heavy hematological disesase, ranging from cytopenia to myeloid neoplasms, pulmonary disease including hepatopulmonary syndrome. The variant segregated with with affected family members in an autosomal dominant inheritance pattern. The variant is located on the J6a-6.1 region which was shown by Huang et al., Nature Structural & Molecular Biology, 2014, to be essential for binding to TERT and thereby essential for telomerase activity. We classify the variant as likely pathogenic based on the ACMG criteria (PM1, PM2, PP1, PP2, PP3, PP4). Richards et al. Genetics in Medicine, 17, (5), 405–424, (2015).

NR_001566.3(TERC):n.301A>T

Genes: TERC (telomerase RNA component; minus strand), LOC110806306 (telomerase RNA component (TERC) promoter; plus strand). Cytogenetic location: 3q26.2.
Variant type: single nucleotide variant.
Genome position: GRCh38 VCF-style: chr3-169764760-T-A. GRCh37 (hg19) VCF-style: chr3-169482548-T-A.
Identifiers: ClinVar variation 3024213 (VCV003024213.3).